The following is an entry in ClinVar:

ClinVar aggregate classification (germline): Conflicting classifications of pathogenicity. Review status: criteria provided, conflicting classifications (1 of 4 stars). 6 submissions from 6 submitters: Uncertain significance (2); Benign (2); Likely benign (2). Last evaluated 2026-05-12.

Conditions:
Iodotyrosyl coupling defect (TDH3). Also called: HYPOTHYROIDISM, CONGENITAL, DUE TO DYSHORMONOGENESIS, 3; THYROID HORMONOGENESIS, GENETIC DEFECT IN, 3. Identifiers: Orphanet 95716, MedGen C0342194, MONDO:0010135, OMIM 274700.

Allele frequency attached by ClinVar (database versions not stated): 1000 Genomes Project 0.00040; 1000 Genomes Project 30x 0.00047; gnomAD 0.00228 and 0.00240; TOPMed 0.00267; ESP Exome Variant Server 0.00269; ExAC 0.00277.
gnomAD v4.1: 6,035 of 1,614,102 alleles (0.37%); highest among the groups gnomAD compares: Non-Finnish European, 0.46%; 17 homozygotes.

Submissions (6):

Women's Health and Genetics/Laboratory Corporation of America, LabCorp
Classification: Benign. Last evaluated: 2026-05-12. Review status: criteria provided, single submitter. Criteria: LabCorp Variant Classification Summary - May 2015. Collection method: clinical testing. Allele origin: germline.

Labcorp Genetics (formerly Invitae), Labcorp
Classification: Benign. Last evaluated: 2026-01-28. Review status: criteria provided, single submitter. Criteria: Invitae Variant Classification Sherloc (09022015). Collection method: clinical testing. Allele origin: germline.

CeGaT Center for Human Genetics Tuebingen
Classification: Likely benign. Last evaluated: 2023-07-01. Review status: criteria provided, single submitter. Criteria: CeGaT Center For Human Genetics Tuebingen Variant Classification Criteria Version 2. Collection method: clinical testing. Allele origin: germline. Affected: yes. Observed: 1 variant allele.
Comment: TG: BP4

GeneDx
Classification: Uncertain significance. Last evaluated: 2022-09-14. Review status: criteria provided, single submitter. Criteria: GeneDx Variant Classification Process June 2021. Collection method: clinical testing. Allele origin: germline. Affected: yes.
Comment: Has not been previously published as pathogenic or benign to our knowledge; In-silico analysis is inconclusive as to whether the variant alters gene splicing. In the absence of RNA/functional studies, the actual effect of this sequence change is unknown.

Illumina Laboratory Services, Illumina
Classification: Uncertain significance for Iodotyrosyl coupling defect. Last evaluated: 2018-01-13. Review status: criteria provided, single submitter. Criteria: ICSL Variant Classification Criteria 13 December 2019. Collection method: clinical testing. Allele origin: germline.

PreventionGenetics, part of Exact Sciences
Classification: Likely benign. Review status: criteria provided, single submitter. Criteria: ACMG Guidelines, 2015. Collection method: clinical testing. Allele origin: germline.

NM_003235.5(TG):c.6200-7T>A

Gene: TG (thyroglobulin; plus strand). Cytogenetic location: 8q24.22.
Variant type: single nucleotide variant.
Coding change: c.6200-7T>A on transcript NM_003235.5 (MANE Select); 7 bases into the intron before coding-DNA position 6200, T replaced by A.
Molecular consequence: intron variant.
Genome position (GRCh38, 1-based): chr8:132,983,343, T>A. VCF-style: chr8-132983343-T-A. GRCh37 (hg19) VCF-style: chr8-133995588-T-A.
Identifiers: ClinVar variation 258998 (VCV000258998.39), dbSNP rs79724982, ClinGen allele CA4884830.